The following is an entry in ClinVar:

ClinVar aggregate classification (germline): Uncertain significance (1 of 4 stars; one submission).

Conditions:
NEK1-related disorder. Also called: NEK1-related condition.

Submission:

PreventionGenetics, part of Exact Sciences
Classification: Uncertain significance for NEK1-related condition. Last evaluated: 2023-10-01. Review status: criteria provided, single submitter. Criteria: ACMG Guidelines, 2015. Collection method: clinical testing. Allele origin: germline.
Comment: The NEK1 c.63dupT variant is predicted to result in premature protein termination (p.Lys22*). To our knowledge, this variant has not been reported in the literature or in a large population database, indicating this variant is rare. Although many loss-of-function variants have been reported downstream of this location in NEK1, to our knowledge none have been reported this early in the gene. Therefore, although we suspect that this variant may be pathogenic, at this time its clinical significance is uncertain due to the absence of conclusive functional and genetic evidence.

NM_001199397.3(NEK1):c.63dup (p.Lys22Ter)

Gene: NEK1 (NIMA related kinase 1; minus strand). Cytogenetic location: 4q33.
Variant type: Duplication.
Coding change: c.63dup on transcript NM_001199397.3 (MANE Select); coding-DNA position 63, one base duplicated (T; older notation c.63dupT).
Protein change: p.Lys22Ter; replaces lysine 22 with a stop codon.
Molecular consequence: nonsense. On other transcripts: non-coding transcript variant (2).
Genome position (GRCh38, 1-based): chr4:169,602,568, A duplicated on the plus strand (T on the coding strand, the reverse complement: NEK1 is on the minus strand); the first of 2 consecutive A bases (chr4:169,602,568-169,602,569); duplicating either gives the same sequence. VCF-style (leftmost placement, unchanged base first): chr4-169602567-T-TA. GRCh37 (hg19) VCF-style: chr4-170523718-T-TA.
Other names: c.63dup, p.Lys22Ter (NM_001199398.3, NM_001199399.3, NM_001199400.3 and 7 more transcripts); short protein forms K22*.
Identifiers: ClinVar variation 2630661 (VCV002630661.1), dbSNP rs2546985030, ClinGen allele CA2695198563.
Genomic context (GRCh38, chr4:169,602,567, plus strand): 5'-TACTTACTCTTGAGATGTTAATTTCCTTGATAACATACTGTCTGCCATCTTCTGTAGATT[T>TA]AACAAGAATGGCTTTTCCAAATGAACCTTCTCCAATCTTCTGTAGTCTAACATACTTCTC-3'